The following is an entry in ClinVar:

ClinVar aggregate classification (germline): Uncertain significance (1 of 4 stars; one submission).

Submission:

Quest Diagnostics Nichols Institute San Juan Capistrano
Classification: Uncertain significance. Last evaluated: 2022-10-04. Review status: criteria provided, single submitter. Criteria: Quest Diagnostics criteria. Collection method: clinical testing. Allele origin: unknown.
Comment: The HBB c.202G>C (p.Val68Leu) variant has not been reported in the published literature. It also has not been reported in large, multi-ethnic general populations. Analysis of this variant using bioinformatics tools for the prediction of the effect of amino acid changes on protein structure and function yielded predictions that this variant is damaging. Based on the available information, we are unable to determine the clinical significance of this variant.

NM_000518.5(HBB):c.202G>C (p.Val68Leu)

Genes: HBB (hemoglobin subunit beta; minus strand), LOC106099062 (HBB recombination region; plus strand), LOC107133510 (origin of replication at HBB; plus strand). Cytogenetic location: 11p15.4.
Variant type: single nucleotide variant.
Coding change: c.202G>C on transcript NM_000518.5 (MANE Select); coding-DNA position 202, G replaced by C.
Protein change: p.Val68Leu; replaces valine 68 with leucine.
Molecular consequence: missense variant.
Genome position (GRCh38, 1-based): chr11:5,226,690, C>G on the plus strand (G>C on the coding strand, the complement: HBB is on the minus strand). VCF-style: chr11-5226690-C-G. GRCh37 (hg19) VCF-style: chr11-5247920-C-G.
Other names: short protein forms V68L.
Identifiers: ClinVar variation 2681982 (VCV002681982.1), dbSNP rs36008922, ClinGen allele CA379273870.